The following is an entry in ClinVar:

ClinVar aggregate classification (germline): Uncertain significance (1 of 4 stars; one submission).

Conditions:
Inborn genetic diseases. Identifiers: MedGen C0950123, MeSH D030342.

Allele frequency attached by ClinVar (database versions not stated): TOPMed 0.00002.
gnomAD v4.1: 1 of 1,613,194 alleles (0.000062%); highest among the groups gnomAD compares: Admixed American, 0.0017%; no homozygotes.

Submission:

Ambry Genetics
Classification: Uncertain significance for Inborn genetic diseases. Last evaluated: 2023-01-16. Review status: criteria provided, single submitter. Criteria: Ambry Variant Classification Scheme 2023. Collection method: clinical testing. Allele origin: germline.
Comment: The p.I512L variant (also known as c.1534A>C), located in coding exon 13 of the LRRK2 gene, results from an A to C substitution at nucleotide position 1534. The isoleucine at codon 512 is replaced by leucine, an amino acid with highly similar properties. This amino acid position is conserved. In addition, this alteration is predicted to be tolerated by in silico analysis. Since supporting evidence is limited at this time, the clinical significance of this alteration remains unclear.

NM_198578.4(LRRK2):c.1534A>C (p.Ile512Leu)

Gene: LRRK2 (leucine rich repeat kinase 2; plus strand). Cytogenetic location: 12q12.
Variant type: single nucleotide variant.
Coding change: c.1534A>C on transcript NM_198578.4 (MANE Select); coding-DNA position 1534, A replaced by C.
Protein change: p.Ile512Leu; replaces isoleucine 512 with leucine.
Molecular consequence: missense variant.
Genome position (GRCh38, 1-based): chr12:40,259,595, A>C. VCF-style: chr12-40259595-A-C. GRCh37 (hg19) VCF-style: chr12-40653397-A-C.
Other names: short protein forms I512L.
Identifiers: ClinVar variation 2453083 (VCV002453083.2), dbSNP rs1256336154, ClinGen allele CA384411781.
Genomic context (GRCh38, chr12:40,259,595, plus strand): 5'-AAACGTCATGAGACATCATTACCAGTGCAGCTGGAGGCGCTTCGAGCTATTTTACATTTT[A>C]TAGTGCCTGGTAAGTTACATAGTTGATTGTGGGAAGAGATAACAATTTAAATGGATTTTT-3'
Protein context (NP_940980.4, residues 502-522): LEALRAILHF[Ile512Leu]VPGMPEESRE